The following is an entry in ClinVar:

ClinVar aggregate classification (germline): Uncertain significance (1 of 4 stars; one submission).

Conditions:
Left ventricular noncompaction 8 (LVNC8). Identifiers: Orphanet 154, Orphanet 54260, MedGen C3809288, MONDO:0014152, OMIM 615373.

Allele frequency attached by ClinVar (database versions not stated): gnomAD 0.00001; TOPMed 0.00001; gnomAD exomes 0.00002 and 0.00006; ExAC 0.00011.
gnomAD v4.1: 30 of 1,613,364 alleles (0.0019%); highest among the groups gnomAD compares: South Asian, 0.022%; 1 homozygote.

Submission:

Labcorp Genetics (formerly Invitae), Labcorp
Classification: Uncertain significance for Left ventricular noncompaction 8. Last evaluated: 2020-03-01. Review status: criteria provided, single submitter. Criteria: Invitae Variant Classification Sherloc (09022015). Collection method: clinical testing. Allele origin: germline.
Comment: In summary, the available evidence is currently insufficient to determine the role of this variant in disease. Therefore, it has been classified as a Variant of Uncertain Significance. Algorithms developed to predict the effect of missense changes on protein structure and function are either unavailable or do not agree on the potential impact of this missense change (SIFT: "Deleterious"; PolyPhen-2: "Benign"; Align-GVGD: "Class C0"). This variant has not been reported in the literature in individuals with PRDM16-related conditions. This variant is present in population databases (rs767844702, ExAC 0.04%). This sequence change replaces leucine with proline at codon 1044 of the PRDM16 protein (p.Leu1044Pro). The leucine residue is weakly conserved and there is a moderate physicochemical difference between leucine and proline.

NM_022114.4(PRDM16):c.3131T>C (p.Leu1044Pro)

Gene: PRDM16 (PR/SET domain 16; plus strand). Cytogenetic location: 1p36.32.
Variant type: single nucleotide variant.
Coding change: c.3131T>C on transcript NM_022114.4 (MANE Select); coding-DNA position 3131, T replaced by C.
Protein change: p.Leu1044Pro; replaces leucine 1044 with proline.
Molecular consequence: missense variant.
Genome position (GRCh38, 1-based): chr1:3,426,072, T>C. VCF-style: chr1-3426072-T-C. GRCh37 (hg19) VCF-style: chr1-3342636-T-C.
Other names: c.3131T>C, p.Leu1044Pro (NM_199454.3); short protein forms L1044P.
Identifiers: ClinVar variation 1024723 (VCV001024723.8), dbSNP rs767844702, ClinGen allele CA544748.
Genomic context (GRCh38, chr1:3,426,072, plus strand): 5'-AGCGAGAGGCCGCCCCCTGATGCTCCCGCCCCTCCGCAGTGAGCCAGCACCCCGGGGTCC[T>C]CACGAACCACCTGGGGACCAGCGCGTCCTCTCCCACCTCAGAGTCGGACAACCACGCACT-3'
Protein context (NP_071397.3, residues 1034-1054): NAPVSQHPGV[Leu1044Pro]TNHLGTSASS